The following is an entry in ClinVar:

NM_001046.3(SLC12A2):c.2441dup (p.Asn814fs)

Gene: SLC12A2 (solute carrier family 12 member 2; plus strand). Cytogenetic location: 5q23.3.
Variant type: Duplication.
Coding change: c.2441dup on transcript NM_001046.3 (MANE Select); coding-DNA position 2441, one base duplicated (A; older notation c.2441dupA).
Protein change: p.Asn814fs; shifts the reading frame from asparagine 814.
Molecular consequence: frameshift variant. On other transcripts: non-coding transcript variant (1).
Genome position (GRCh38, 1-based): chr5:128,158,130, A duplicated; the last of 6 consecutive A bases (chr5:128,158,125-128,158,130); duplicating any one gives the same sequence. VCF-style (leftmost placement, unchanged base first): chr5-128158124-C-CA. GRCh37 (hg19) VCF-style: chr5-127493816-C-CA.
Other names: c.2441dup, p.Asn814fs (NM_001256461.2); short protein forms N814fs.
Identifiers: ClinVar variation 1317165 (VCV001317165.3), dbSNP rs2126730343, ClinGen allele CA2573052413.
Genomic context (GRCh38, chr5:128,158,124, plus strand): 5'-TTGTTATGACAGGTGCTCCAAACTCACGTCCAGCTTTACTTCATCTTGTTCATGATTTCA[C>CA]AAAAAATGTTGGTTTGATGATCTGTGGCCATGTACATATGGTAAGTATCAATTTTGTTTT-3'

ClinVar aggregate classification (germline): Uncertain significance (1 of 4 stars; one submission).

Submission:

GeneDx
Classification: Uncertain significance. Last evaluated: 2023-07-10. Review status: criteria provided, single submitter. Criteria: GeneDx Variant Classification Process June 2021. Collection method: clinical testing. Allele origin: germline. Affected: yes.
Comment: Not observed at significant frequency in large population cohorts (gnomAD); Frameshift variant predicted to result in protein truncation or nonsense mediated decay in a gene or region of a gene for which loss of function is not a well-established mechanism of disease; Has not been previously published as pathogenic or benign to our knowledge